The following is an entry in ClinVar:

NM_000540.3(RYR1):c.8386A>T (p.Thr2796Ser)

Genes: RYR1 (ryanodine receptor 1; plus strand), LOC126862902 (BRD4-independent group 4 enhancer GRCh37_chr19:38995830-38997029; plus strand). Cytogenetic location: 19q13.2.
Variant type: single nucleotide variant.
Coding change: c.8386A>T on transcript NM_000540.3 (MANE Select); coding-DNA position 8386, A replaced by T.
Protein change: p.Thr2796Ser; replaces threonine 2796 with serine.
Molecular consequence: missense variant.
Genome position (GRCh38, 1-based): chr19:38,505,384, A>T. VCF-style: chr19-38505384-A-T. GRCh37 (hg19) VCF-style: chr19-38996024-A-T.
Other names: c.8386A>T, p.Thr2796Ser (NM_001042723.2); short protein forms T2796S.
Identifiers: ClinVar variation 3710206 (VCV003710206.2).
Genomic context (GRCh38, chr19:38,505,384, plus strand): 5'-TCCTATGGAGAGAACATAGACGAGGAGCTGAAGACCCACCCCATGCTGAGGCCCTACAAG[A>T]CCTTTTCAGAGAAGGTGACCAGGCCTTGGGGCCCAGCATTGAGGGTCAAAATGAAACCCC-3'
Protein context (NP_000531.2, residues 2786-2806): KTHPMLRPYK[Thr2796Ser]FSEKDKEIYR

ClinVar aggregate classification (germline): Uncertain significance (1 of 4 stars; one submission).

Conditions:
RYR1-related disorder. Also called: RYR1-related condition; RYR1-related disorders. Identifiers: MedGen CN239331.

gnomAD v4.1: 10 of 1,609,430 alleles (0.00062%); highest among the groups gnomAD compares: Non-Finnish European, 0.00085%; no homozygotes.

Submission:

Labcorp Genetics (formerly Invitae), Labcorp
Classification: Uncertain significance for RYR1-related disorder. Last evaluated: 2024-06-24. Review status: criteria provided, single submitter. Criteria: Invitae Variant Classification Sherloc (09022015). Collection method: clinical testing. Allele origin: germline.
Comment: This sequence change replaces threonine, which is neutral and polar, with serine, which is neutral and polar, at codon 2796 of the RYR1 protein (p.Thr2796Ser). This variant is present in population databases (rs780567684, gnomAD 0.002%). This variant has not been reported in the literature in individuals affected with RYR1-related conditions. Advanced modeling of protein sequence and biophysical properties (such as structural, functional, and spatial information, amino acid conservation, physicochemical variation, residue mobility, and thermodynamic stability) performed at Invitae indicates that this missense variant is not expected to disrupt RYR1 protein function with a negative predictive value of 95%. In summary, the available evidence is currently insufficient to determine the role of this variant in disease. Therefore, it has been classified as a Variant of Uncertain Significance.